The following is an entry in ClinVar:

NM_015404.4(WHRN):c.1349G>A (p.Arg450His)

Gene: WHRN (whirlin; minus strand). Cytogenetic location: 9q32.
Variant type: single nucleotide variant.
Coding change: c.1349G>A on transcript NM_015404.4 (MANE Select); coding-DNA position 1349, G replaced by A.
Protein change: p.Arg450His; replaces arginine 450 with histidine.
Molecular consequence: missense variant.
Genome position (GRCh38, 1-based): chr9:114,424,401, C>T on the plus strand (G>A on the coding strand, the complement: WHRN is on the minus strand). VCF-style: chr9-114424401-C-T. GRCh37 (hg19) VCF-style: chr9-117186681-C-T.
Other names: c.200G>A, p.Arg67His (NM_001083885.3); c.1349G>A, p.Arg450His (NM_001173425.2); c.296G>A, p.Arg99His (NM_001346890.1); short protein forms R450H, R67H, R99H.
Identifiers: ClinVar variation 45648 (VCV000045648.20), dbSNP rs200377723, ClinGen allele CA136870.
Genomic context (GRCh38, chr9:114,424,401, plus strand): 5'-TGGGTGTTGAGCAGCTTGAACAGGGCCATGACGAGGGCCTCCACAGAGACGCTGCCACCA[C>T]GGTACTCATCCAGGTAGTAGGCCATGGTGGCGTGTTCCTGCTCGTTCAGCAGGTGCCGAG-3'
Protein context (NP_056219.3, residues 440-460): ATMAYYLDEY[Arg450His]GGSVSVEALV

ClinVar aggregate classification (germline): Conflicting classifications of pathogenicity. Review status: criteria provided, conflicting classifications (1 of 4 stars). 9 submissions from 8 submitters: Uncertain significance (7); Likely benign (2). Last evaluated 2025-09-22.

Conditions:
WHRN-related disorder. Also called: WHRN-related condition.
Usher syndrome type 2D. Also called: USHER SYNDROME, TYPE IID. Identifiers: Orphanet 231178, Orphanet 886, MedGen C1568249, MONDO:0012662, OMIM 611383.
Autosomal recessive nonsyndromic hearing loss 31. Also called: WHIRLER, MOUSE, HOMOLOG OF. Identifiers: Orphanet 90636, MedGen C1846839, MONDO:0011767, OMIM 607084.

Allele frequency attached by ClinVar (database versions not stated): gnomAD 0.00007 and 0.00011; TOPMed 0.00011; 1000 Genomes Project 30x 0.00016; ExAC 0.00018; gnomAD exomes 0.00018; 1000 Genomes Project 0.00020.
gnomAD v4.1: 274 of 1,612,970 alleles (0.017%); highest among the groups gnomAD compares: East Asian, 0.5%; no homozygotes.

Submissions (9):

PreventionGenetics, part of Exact Sciences
Classification: Likely benign for WHRN-related condition. Last evaluated: 2025-09-22. Review status: criteria provided, single submitter. Criteria: ACMG Guidelines, 2015. Collection method: clinical testing. Allele origin: germline.
Comment: This variant is classified as likely benign based on ACMG/AMP sequence variant interpretation guidelines (Richards et al. 2015 PMID: 25741868, with internal and published modifications).

Labcorp Genetics (formerly Invitae), Labcorp
Classification: Uncertain significance. Last evaluated: 2025-01-06. Review status: criteria provided, single submitter. Criteria: Invitae Variant Classification Sherloc (09022015). Collection method: clinical testing. Allele origin: germline.
Comment: This sequence change replaces arginine, which is basic and polar, with histidine, which is basic and polar, at codon 450 of the WHRN protein (p.Arg450His). This variant is present in population databases (rs200377723, gnomAD 0.2%). This variant has not been reported in the literature in individuals affected with WHRN-related conditions. ClinVar contains an entry for this variant (Variation ID: 45648). An algorithm developed to predict the effect of missense changes on protein structure and function (PolyPhen-2) suggests that this variant¬†is likely to be tolerated. In summary, the available evidence is currently insufficient to determine the role of this variant in disease. Therefore, it has been classified as a Variant of Uncertain Significance.

3billion
Classification: Likely benign for Autosomal recessive nonsyndromic hearing loss 31; Usher syndrome type 2D. Last evaluated: 2024-09-20. Review status: criteria provided, single submitter. Criteria: ACMG Guidelines, 2015. Collection method: clinical testing. Allele origin: germline. Affected: no.
Comment: The homozygous variant was found in patients diagnosed with another variant in a different gene, with no symptoms related to the gene containing the homozygous variant.

Blueprint Genetics
Classification: Uncertain significance. Last evaluated: 2024-06-21. Review status: criteria provided, single submitter. Criteria: ACMG Guidelines, 2015. Collection method: clinical testing. Allele origin: germline.

GeneDx
Classification: Uncertain significance. Last evaluated: 2021-09-01. Review status: criteria provided, single submitter. Criteria: GeneDx Variant Classification Process June 2021. Collection method: clinical testing. Allele origin: germline. Affected: yes.
Comment: In silico analysis supports that this missense variant does not alter protein structure/function; Has not been previously published as pathogenic or benign to our knowledge

Illumina Laboratory Services, Illumina
Classification: Uncertain significance for Usher syndrome type 2D. Last evaluated: 2018-01-12. Review status: criteria provided, single submitter. Criteria: ICSL Variant Classification Criteria 13 December 2019. Collection method: clinical testing. Allele origin: germline.

Illumina Laboratory Services, Illumina
Classification: Uncertain significance for Autosomal recessive nonsyndromic hearing loss 31. Last evaluated: 2018-01-12. Review status: criteria provided, single submitter. Criteria: ICSL Variant Classification Criteria 13 December 2019. Collection method: clinical testing. Allele origin: germline.

Laboratory for Molecular Medicine, Mass General Brigham Personalized Medicine
Classification: Uncertain significance. Last evaluated: 2015-07-14. Review status: criteria provided, single submitter. Criteria: LMM Criteria. Collection method: clinical testing. Allele origin: germline. Observed: 2 variant alleles.
Comment: Variant classified as Uncertain Significance - Favor Benign. This v ariant has also been identified in 0.2% (19/8644) of East Asian chromosomes by t he Exome Aggregation Consortium (ExAC; dbSNP rs2 00377723). Arginine (Arg) at position 450 is not conserved in mammals or evoluti onarily distant species. Of note, horse has a histidine (His) at this position, raising the possibility that this change may be tolerated. Additional computati onal prediction tools do not provide strong support for or against an impact to the protein. In summary, while the clinical significance of the p.Arg450His vari ant is uncertain, its frequency in the general population and conservation data suggest that it is more likely to be benign.

Breakthrough Genomics
Classification: Uncertain significance. Review status: criteria provided, single submitter. Criteria: ACMG Guidelines, 2015. Collection method: not provided. Allele origin: germline. Inheritance: Autosomal recessive inheritance. Affected: yes.